The following is an entry in ClinVar:

NM_000245.4(MET):c.2265-55G>A

Gene: MET (MET proto-oncogene, receptor tyrosine kinase; plus strand). Cytogenetic location: 7q31.2.
Variant type: single nucleotide variant.
Coding change: c.2265-55G>A on transcript NM_000245.4 (MANE Select); 55 bases into the intron before coding-DNA position 2265, G replaced by A.
Molecular consequence: intron variant. On other transcripts: splice acceptor variant (1).
Genome position (GRCh38, 1-based): chr7:116,759,336, G>A. VCF-style: chr7-116759336-G-A. GRCh37 (hg19) VCF-style: chr7-116399390-G-A.
Other names: c.2265-1G>A (NM_001127500.3); c.975-55G>A (NM_001324402.2); c.2265-55G>A (NM_001324401.3).
Identifiers: ClinVar variation 4712398 (VCV004712398.1).

ClinVar aggregate classification (germline): Uncertain significance (1 of 4 stars; one submission).

Conditions:
Renal cell carcinoma. Identifiers: Orphanet 217071, MedGen C0007134, MeSH D002292, MONDO:0005086, HP:0005584.

Submission:

Labcorp Genetics (formerly Invitae), Labcorp
Classification: Uncertain significance for Renal cell carcinoma. Last evaluated: 2025-02-06. Review status: criteria provided, single submitter. Criteria: Invitae Variant Classification Sherloc (09022015). Collection method: clinical testing. Allele origin: germline.
Comment: This sequence change affects an acceptor splice site in intron 9 of the MET gene. It is expected to disrupt RNA splicing. Variants that disrupt the donor or acceptor splice site typically lead to a loss of protein function (PMID: 16199547), however the current clinical and genetic evidence is not sufficient to establish whether loss-of-function variants in MET cause disease. This variant is not present in population databases (gnomAD no frequency). This variant has not been reported in the literature in individuals affected with MET-related conditions. In summary, the available evidence is currently insufficient to determine the role of this variant in disease. Therefore, it has been classified as a Variant of Uncertain Significance.

Literature cited by the submitters: PubMed 16199547.